The following is an entry in ClinVar:

NM_002691.4(POLD1):c.1108A>C (p.Ser370Arg)

Gene: POLD1 (DNA polymerase delta 1, catalytic subunit; plus strand). Cytogenetic location: 19q13.33.
Variant type: single nucleotide variant.
Coding change: c.1108A>C on transcript NM_002691.4 (MANE Select); coding-DNA position 1108, A replaced by C.
Protein change: p.Ser370Arg; replaces serine 370 with arginine.
Molecular consequence: missense variant. On other transcripts: non-coding transcript variant (1).
Genome position (GRCh38, 1-based): chr19:50,403,190, A>C. VCF-style: chr19-50403190-A-C. GRCh37 (hg19) VCF-style: chr19-50906447-A-C.
Other names: c.1108A>C, p.Ser370Arg (NM_001256849.1, NM_001308632.1); short protein forms S370R.
Identifiers: ClinVar variation 581224 (VCV000581224.14), dbSNP rs927453278, ClinGen allele CA406978341.

ClinVar aggregate classification (germline): Uncertain significance. Review status: criteria provided, multiple submitters, no conflicts (2 of 4 stars). 2 submissions from 2 submitters: Uncertain significance (2). Last evaluated 2025-07-28.

Conditions:
POLD1-related polyposis and colorectal cancer syndrome (CRCS10). Also called: Colorectal cancer 10; COLORECTAL CANCER, SUSCEPTIBILITY TO, ON CHROMOSOME 19q; Colorectal cancer, susceptibility to, 10. Identifiers: Orphanet 220460, MedGen C2675481, MONDO:0012953, OMIM 612591.
Hereditary cancer-predisposing syndrome. Also called: Tumor predisposition; Neoplastic Syndromes, Hereditary; Hereditary Cancer Syndrome; Hereditary neoplastic syndrome. Identifiers: Orphanet 140162, MedGen C0027672, MeSH D009386, MONDO:0015356.

Allele frequency attached by ClinVar (database versions not stated): gnomAD exomes below 0.00001.
gnomAD v4.1: 5 of 1,561,596 alleles (0.00032%); highest among the groups gnomAD compares: Non-Finnish European, 0.00043%; no homozygotes.

Submissions (2):

Ambry Genetics
Classification: Uncertain significance for Hereditary cancer-predisposing syndrome. Last evaluated: 2025-07-28. Review status: criteria provided, single submitter. Criteria: Ambry Variant Classification Scheme 2023. Collection method: clinical testing. Allele origin: germline.
Comment: The p.S370R variant (also known as c.1108A>C), located in coding exon 8 of the POLD1 gene, results from an A to C substitution at nucleotide position 1108. The serine at codon 370 is replaced by arginine, an amino acid with dissimilar properties. This amino acid position is well conserved in available vertebrate species. In addition, this alteration is predicted to be tolerated by in silico analysis. Since supporting evidence is limited at this time, the clinical significance of this alteration remains unclear.

Labcorp Genetics (formerly Invitae), Labcorp
Classification: Uncertain significance for POLD1-related polyposis and colorectal cancer syndrome. Last evaluated: 2023-05-12. Review status: criteria provided, single submitter. Criteria: Invitae Variant Classification Sherloc (09022015). Collection method: clinical testing. Allele origin: germline.
Comment: In summary, the available evidence is currently insufficient to determine the role of this variant in disease. Therefore, it has been classified as a Variant of Uncertain Significance. Advanced modeling of protein sequence and biophysical properties (such as structural, functional, and spatial information, amino acid conservation, physicochemical variation, residue mobility, and thermodynamic stability) performed at Invitae indicates that this missense variant is not expected to disrupt POLD1 protein function. ClinVar contains an entry for this variant (Variation ID: 581224). This variant has not been reported in the literature in individuals affected with POLD1-related conditions. This variant is not present in population databases (gnomAD no frequency). This sequence change replaces serine, which is neutral and polar, with arginine, which is basic and polar, at codon 370 of the POLD1 protein (p.Ser370Arg).